The following is an entry in ClinVar:

ClinVar aggregate classification (germline): Likely pathogenic (1 of 4 stars; one submission).

Conditions:
Glycogen storage disease, type II (IOPD). Also called: Pompe Disease; CARDIOMEGALIA GLYCOGENICA DIFFUSA; GLYCOGENOSIS, GENERALIZED, CARDIAC FORM; GSD II; POMPE DISEASE, INFANTILE-ONSET; GLYCOGEN STORAGE DISEASE II, INFANTILE-ONSET. Identifiers: Orphanet 365, MedGen C0017921, MONDO:0009290, OMIM 232300.

Submission:

Genomenon, Inc
Classification: Likely pathogenic for Glycogen storage disease, type II. Last evaluated: 2026-07-01. Review status: criteria provided, single submitter. Criteria: Genomenon Sequence Variant Interpretation Standards - Updated. Collection method: curation. Allele origin: germline. Affected: no.
Comment: GAA p.Thr99ProfsTer40 (c.295_314del) is a frameshift variant that is predicted to introduce a premature termination codon and result in a truncated or absent protein product. This variant has been reported in the published literature (PMID:31342611;33560568). It is absent or not present at a significant frequency in gnomAD. In conclusion, we classify GAA p.Thr99ProfsTer40 (c.295_314del) as a likely pathogenic variant.

Literature cited by the submitters: PubMed 31342611; PubMed 33560568.

NM_000152.5(GAA):c.295_314del (p.Thr99fs)

Gene: GAA (alpha glucosidase; plus strand). Cytogenetic location: 17q25.3.
Variant type: Deletion.
Coding change: c.295_314del on transcript NM_000152.5 (MANE Select); coding-DNA positions 295 to 314, 20 bases deleted (ACCCAGGAACAGTGCGAGGC).
Protein change: p.Thr99fs; shifts the reading frame from threonine 99.
Molecular consequence: frameshift variant.
Genome position (GRCh38, 1-based): chr17:80,104,881-80,104,900, ACCCAGGAACAGTGCGAGGC deleted; deleting any 20 consecutive bases within chr17:80,104,880-80,104,900 gives the same sequence; the c. name uses the placement nearest the transcript's 3' end. VCF-style (leftmost placement, unchanged base first): chr17-80104879-TCACCCAGGAACAGTGCGAGG-T. GRCh37 (hg19) VCF-style: chr17-78078678-TCACCCAGGAACAGTGCGAGG-T.
Other names: c.295_314del, p.Thr99fs (NM_001406742.1, NM_001079803.3, NM_001079804.3 and 1 more transcripts); short protein forms T99fs.
Identifiers: ClinVar variation 4876282 (VCV004876282.1).